The following is an entry in ClinVar:

ClinVar aggregate classification (germline): Uncertain significance. Review status: criteria provided, multiple submitters, no conflicts (2 of 4 stars). 2 submissions from 2 submitters: Uncertain significance (2). Last evaluated 2024-04-01.

Conditions:
Stüve-Wiedemann syndrome 1. Also called: STUVE-WIEDEMANN/SCHWARTZ-JAMPEL TYPE 2 SYNDROME. Identifiers: Orphanet 3206, MedGen C5676888, MONDO:0800043, OMIM 601559.

Allele frequency attached by ClinVar (database versions not stated): gnomAD exomes below 0.00001; ExAC 0.00002; TOPMed 0.00003; gnomAD 0.00004.
gnomAD v4.1: 9 of 1,593,436 alleles (0.00056%); highest among the groups gnomAD compares: African/African-American, 0.011%; no homozygotes.

Submissions (2):

Fulgent Genetics
Classification: Uncertain significance for Stüve-Wiedemann syndrome 1. Last evaluated: 2024-04-01. Review status: criteria provided, single submitter. Criteria: ACMG Guidelines, 2015. Collection method: clinical testing. Allele origin: germline.

Labcorp Genetics (formerly Invitae), Labcorp
Classification: Uncertain significance. Last evaluated: 2022-05-25. Review status: criteria provided, single submitter. Criteria: Invitae Variant Classification Sherloc (09022015). Collection method: clinical testing. Allele origin: germline.
Comment: This sequence change replaces threonine, which is neutral and polar, with asparagine, which is neutral and polar, at codon 96 of the LIFR protein (p.Thr96Asn). This variant is present in population databases (rs776409022, gnomAD 0.02%). This variant has not been reported in the literature in individuals affected with LIFR-related conditions. Algorithms developed to predict the effect of missense changes on protein structure and function (SIFT, PolyPhen-2, Align-GVGD) all suggest that this variant is likely to be tolerated. In summary, the available evidence is currently insufficient to determine the role of this variant in disease. Therefore, it has been classified as a Variant of Uncertain Significance.

NM_001127671.2(LIFR):c.287C>A (p.Thr96Asn)

Gene: LIFR (LIF receptor subunit alpha; minus strand). Cytogenetic location: 5p13.1.
Variant type: single nucleotide variant.
Coding change: c.287C>A on transcript NM_001127671.2 (MANE Select); coding-DNA position 287, C replaced by A.
Protein change: p.Thr96Asn; replaces threonine 96 with asparagine.
Molecular consequence: missense variant.
Genome position (GRCh38, 1-based): chr5:38,527,265, G>T on the plus strand (C>A on the coding strand, the complement: LIFR is on the minus strand). VCF-style: chr5-38527265-G-T. GRCh37 (hg19) VCF-style: chr5-38527367-G-T.
Other names: c.287C>A, p.Thr96Asn (NM_001364297.2, NM_001364298.2, NM_002310.6); short protein forms T96N.
Identifiers: ClinVar variation 2142229 (VCV002142229.2), dbSNP rs776409022, ClinGen allele CA3243269.